The following is an entry in ClinVar:

ClinVar aggregate classification (germline): Uncertain significance (1 of 4 stars; one submission).

Conditions:
Kabuki syndrome. Also called: NIIKAWA-KUROKI SYNDROME; Kabuki make-up syndrome. Identifiers: Orphanet 2322, MedGen C0796004, MONDO:0016512.

Allele frequency attached by ClinVar (database versions not stated): gnomAD exomes below 0.00001.
gnomAD v4.1: 1 of 1,614,048 alleles (0.000062%); highest among the groups gnomAD compares: Non-Finnish European, 0.000085%; no homozygotes.

Submission:

Labcorp Genetics (formerly Invitae), Labcorp
Classification: Uncertain significance for Kabuki syndrome. Last evaluated: 2021-06-14. Review status: criteria provided, single submitter. Criteria: Invitae Variant Classification Sherloc (09022015). Collection method: clinical testing. Allele origin: germline.
Comment: This sequence change replaces serine with arginine at codon 5103 of the KMT2D protein (p.Ser5103Arg). The serine residue is moderately conserved and there is a moderate physicochemical difference between serine and arginine. This variant is not present in population databases (ExAC no frequency). This variant has not been reported in the literature in individuals with KMT2D-related conditions. Advanced modeling of protein sequence and biophysical properties (such as structural, functional, and spatial information, amino acid conservation, physicochemical variation, residue mobility, and thermodynamic stability) performed at Invitae indicates that this missense variant is not expected to disrupt KMT2D protein function. In summary, the available evidence is currently insufficient to determine the role of this variant in disease. Therefore, it has been classified as a Variant of Uncertain Significance.

NM_003482.4(KMT2D):c.15307A>C (p.Ser5103Arg)

Gene: KMT2D (lysine methyltransferase 2D; minus strand). Cytogenetic location: 12q13.12.
Variant type: single nucleotide variant.
Coding change: c.15307A>C on transcript NM_003482.4 (MANE Select); coding-DNA position 15307, A replaced by C.
Protein change: p.Ser5103Arg; replaces serine 5103 with arginine.
Molecular consequence: missense variant.
Genome position (GRCh38, 1-based): chr12:49,026,659, T>G on the plus strand (A>C on the coding strand, the complement: KMT2D is on the minus strand). VCF-style: chr12-49026659-T-G. GRCh37 (hg19) VCF-style: chr12-49420442-T-G.
Other names: short protein forms S5103R.
Identifiers: ClinVar variation 1400867 (VCV001400867.8), dbSNP rs2120361421, ClinGen allele CA384688710.
Genomic context (GRCh38, chr12:49,026,659, plus strand): 5'-ACTTGGCACGGATGGCACAAGCAAAATGGTAGACATTGGGGCAACGCATGCGATTGCAGC[T>G]GCTGGTGGCACCAGTTCGCTGGCACAGGGAGCACTTGGTTAGCAGTCCTCGGTGCAGGGC-3'
Protein context (NP_003473.3, residues 5093-5113): SLCQRTGATS[Ser5103Arg]CNRMRCPNVY